The following is an entry in ClinVar:

NM_016111.4(TELO2):c.2292-6C>T

Gene: TELO2 (telomere maintenance 2; plus strand). Cytogenetic location: 16p13.3.
Variant type: single nucleotide variant.
Coding change: c.2292-6C>T on transcript NM_016111.4 (MANE Select); 6 bases into the intron before coding-DNA position 2292, C replaced by T.
Molecular consequence: intron variant.
Genome position (GRCh38, 1-based): chr16:1,507,595, C>T. VCF-style: chr16-1507595-C-T. GRCh37 (hg19) VCF-style: chr16-1557596-C-T.
Other names: c.2292-6C>T (NM_001351846.2).
Identifiers: ClinVar variation 788590 (VCV000788590.39), dbSNP rs151180002, ClinGen allele CA7812615.

ClinVar aggregate classification (germline): Benign/Likely benign. Review status: criteria provided, multiple submitters, no conflicts (2 of 4 stars). 2 submissions from 2 submitters: Benign (1); Likely benign (1). Last evaluated 2026-03-01.

Allele frequency attached by ClinVar (database versions not stated): gnomAD 0.00279 and 0.00286; TOPMed 0.00288; 1000 Genomes Project 0.00300; ESP Exome Variant Server 0.00300; 1000 Genomes Project 30x 0.00344; gnomAD exomes 0.00378 and 0.00417; ExAC 0.00778.

Submissions (2):

CeGaT Center for Human Genetics Tuebingen
Classification: Likely benign. Last evaluated: 2026-03-01. Review status: criteria provided, single submitter. Criteria: CeGaT Center For Human Genetics Tuebingen Variant Classification Criteria Version 2. Collection method: clinical testing. Allele origin: germline. Affected: yes. Observed: 13 variant alleles.
Comment: TELO2: BP4, BS2

Labcorp Genetics (formerly Invitae), Labcorp
Classification: Benign. Last evaluated: 2026-01-05. Review status: criteria provided, single submitter. Criteria: Invitae Variant Classification Sherloc (09022015). Collection method: clinical testing. Allele origin: germline.